The following is an entry in ClinVar:

ClinVar aggregate classification (germline): not provided (0 of 4 stars; one submission).

Allele frequency attached by ClinVar (database versions not stated): gnomAD 0.00001; TOPMed 0.00001 and below 0.00001; gnomAD exomes below 0.00001; ExAC 0.00001.
gnomAD v4.1: 7 of 1,614,072 alleles (0.00043%); highest among the groups gnomAD compares: East Asian, 0.016%; no homozygotes.

Submission:

ITMI
No classification provided. Condition: AllHighlyPenetrant. Last evaluated: 2013-09-19. Review status: no classification provided. Collection method: reference population. Allele origin: germline.
Comment: Please see associated publication for description of ethnicities

Literature cited by the submitters: PubMed 24728327.

NM_001077706.3(ECT2L):c.1802C>T (p.Ser601Leu)

Gene: ECT2L (epithelial cell transforming 2 like; plus strand). Cytogenetic location: 6q24.1.
Variant type: single nucleotide variant.
Coding change: c.1802C>T on transcript NM_001077706.3 (MANE Select); coding-DNA position 1802, C replaced by T.
Protein change: p.Ser601Leu; replaces serine 601 with leucine.
Molecular consequence: missense variant.
Genome position (GRCh38, 1-based): chr6:138,881,093, C>T. VCF-style: chr6-138881093-C-T. GRCh37 (hg19) VCF-style: chr6-139202230-C-T.
Other names: c.1802C>T, p.Ser601Leu (NM_001195037.2); short protein forms S601L.
Identifiers: ClinVar variation 133994 (VCV000133994.1), dbSNP rs587778241, ClinGen allele CA158362.